The following is an entry in ClinVar:

ClinVar aggregate classification (germline): Conflicting classifications of pathogenicity. Review status: criteria provided, conflicting classifications (1 of 4 stars). 4 submissions from 4 submitters: Uncertain significance (1); Likely benign (2). 1 of the submissions does not count toward it. Last evaluated 2026-01-28.

Conditions:
Orthostatic hypotension 1 (ORTHYP1). Also called: Dopamine beta-hydroxylase deficiency; Orthostatic hypotension 1, due to DBH deficiency; NORADRENALINE DEFICIENCY; NOREPINEPHRINE DEFICIENCY. Identifiers: Orphanet 230, MedGen C4746777, MONDO:0009123, OMIM 223360.
DBH-related disorder. Also called: DBH-related condition.

Allele frequency attached by ClinVar (database versions not stated): 1000 Genomes Project below 0.00001; ExAC 0.00042; gnomAD exomes 0.00049 and 0.00051; ESP Exome Variant Server 0.00054; gnomAD 0.00063 and 0.00068; TOPMed 0.00065.
gnomAD v4.1: 813 of 1,613,878 alleles (0.05%); highest among the groups gnomAD compares: Admixed American, 0.16%; 1 homozygote.

Submissions (4):

Labcorp Genetics (formerly Invitae), Labcorp
Classification: Likely benign for Orthostatic hypotension 1. Last evaluated: 2026-01-28. Review status: criteria provided, single submitter. Criteria: Invitae Variant Classification Sherloc (09022015). Collection method: clinical testing. Allele origin: germline.

Blueprint Genetics
Classification: Likely benign. Last evaluated: 2024-11-21. Review status: criteria provided, single submitter. Criteria: ACMG Guidelines, 2015. Collection method: clinical testing. Allele origin: germline.

Illumina Laboratory Services, Illumina
Classification: Uncertain significance for Orthostatic hypotension 1. Last evaluated: 2018-01-12. Review status: criteria provided, single submitter. Criteria: ICSL Variant Classification Criteria 13 December 2019. Collection method: clinical testing. Allele origin: germline.

PreventionGenetics, part of Exact Sciences
Classification: Likely benign for DBH-related condition. Last evaluated: 2024-04-02. Review status: no assertion criteria provided. Collection method: clinical testing. Allele origin: germline. Not counted in ClinVar's aggregate classification.
Comment: This variant is classified as likely benign based on ACMG/AMP sequence variant interpretation guidelines (Richards et al. 2015 PMID: 25741868, with internal and published modifications).

NM_000787.4(DBH):c.1215C>T (p.His405=)

Gene: DBH (dopamine beta-hydroxylase; plus strand). Cytogenetic location: 9q34.2.
Variant type: single nucleotide variant.
Coding change: c.1215C>T on transcript NM_000787.4 (MANE Select); coding-DNA position 1215, C replaced by T.
Protein change: p.His405=; no amino-acid change (histidine 405 retained).
Molecular consequence: synonymous variant.
Genome position (GRCh38, 1-based): chr9:133,651,657, C>T. VCF-style: chr9-133651657-C-T. GRCh37 (hg19) VCF-style: chr9-136516779-C-T.
Identifiers: ClinVar variation 784656 (VCV000784656.17), dbSNP rs144219953, ClinGen allele CA5313385.
Genomic context (GRCh38, chr9:133,651,657, plus strand): 5'-GGTCAGGCCCTGACACTGCAGCCCCCCGACCCCACAGGCACTGCCTCCCTCCGGGATCCA[C>T]ATCTTCGCCTCTCAGCTCCACACACACCTGACTGGGAGAAAGGTGGTCACAGTGCTGGTC-3'
Protein context (NP_000778.3, residues 395-415): TQLALPPSGI[His405=]IFASQLHTHL